The following is an entry in ClinVar:

NM_000166.6(GJB1):c.21C>A (p.Tyr7Ter)

Gene: GJB1 (gap junction protein beta 1; plus strand). Cytogenetic location: Xq13.1.
Variant type: single nucleotide variant.
Coding change: c.21C>A on transcript NM_000166.6 (MANE Select); coding-DNA position 21, C replaced by A.
Protein change: p.Tyr7Ter; replaces tyrosine 7 with a stop codon.
Molecular consequence: nonsense.
Genome position (GRCh38, 1-based): chrX:71,223,728, C>A. VCF-style: chrX-71223728-C-A. GRCh37 (hg19) VCF-style: chrX-70443578-C-A.
Other names: c.21C>A, p.Tyr7Ter (NM_001097642.3); short protein forms Y7*.
Identifiers: ClinVar variation 1709084 (VCV001709084.2), dbSNP rs2092541958, ClinGen allele CA413499380.
Genomic context (GRCh38, chrX:71,223,728, plus strand): 5'-TGCTTCATGGCTGGTGTTTTGCAGGTGTGAATGAGGCAGGATGAACTGGACAGGTTTGTA[C>A]ACCTTGCTCAGTGGCGTGAACCGGCATTCTACTGCCATTGGCCGAGTATGGCTCTCGGTC-3'

ClinVar aggregate classification (germline): Likely pathogenic (1 of 4 stars; one submission).

Conditions:
Charcot-Marie-Tooth disease X-linked dominant 1. Also called: X-linked Charcot-Marie-Tooth disease type 1; GJB1 Disorders: Charcot-Marie-Tooth Neuropathy (CMT1X) and Central Nervous System Phenotypes; HEREDITARY MOTOR AND SENSORY NEUROPATHY, X-LINKED; HMSN, X-LINKED; CHARCOT-MARIE-TOOTH NEUROPATHY, X-LINKED, 1; CHARCOT-MARIE-TOOTH PERONEAL MUSCULAR ATROPHY, X-LINKED. Identifiers: Orphanet 101075, MedGen C0393808, MONDO:0010549, OMIM 302800.

Submission:

MGZ Medical Genetics Center
Classification: Likely pathogenic for Charcot-Marie-Tooth disease X-linked dominant 1. Last evaluated: 2022-02-14. Review status: criteria provided, single submitter. Criteria: ACMG Guidelines, 2015. Collection method: clinical testing. Allele origin: germline. Affected: yes. Observed: 1 variant allele.
Comment: ACMG criteria applied: PVS1, PM2_SUP